The following is an entry in ClinVar:

NM_020937.4(FANCM):c.197G>A (p.Arg66Gln)

Gene: FANCM (FA complementation group M; plus strand). Cytogenetic location: 14q21.2.
Variant type: single nucleotide variant.
Coding change: c.197G>A on transcript NM_020937.4 (MANE Select); coding-DNA position 197, G replaced by A.
Protein change: p.Arg66Gln; replaces arginine 66 with glutamine.
Molecular consequence: missense variant.
Genome position (GRCh38, 1-based): chr14:45,136,228, G>A. VCF-style: chr14-45136228-G-A. GRCh37 (hg19) VCF-style: chr14-45605431-G-A.
Other names: c.197G>A, p.Arg66Gln (NM_001308133.2, NM_001308134.2); short protein forms R66Q.
Identifiers: ClinVar variation 3364318 (VCV003364318.2).
Genomic context (GRCh38, chr14:45,136,228, plus strand): 5'-CGGAGGCTCAGCTGGAGTCGGACGATGATGTGTTGCTTGTCGCGGCGTACGAGGCTGAGC[G>A]GCAGTTGTGTCTAGAGAATGGCGGGTTCTGCACCTCCGCGGGCGCCCTGTGGATTTACCC-3'
Protein context (NP_065988.1, residues 56-76): VLLVAAYEAE[Arg66Gln]QLCLENGGFC

ClinVar aggregate classification (germline): Uncertain significance. Review status: criteria provided, multiple submitters, no conflicts (2 of 4 stars). 2 submissions from 2 submitters: Uncertain significance (2). Last evaluated 2025-01-20.

Conditions:
Inborn genetic diseases. Identifiers: MedGen C0950123, MeSH D030342.

gnomAD v4.1: 2 of 1,614,174 alleles (0.00012%); highest among the groups gnomAD compares: Non-Finnish European, 0.00017%; no homozygotes.

Submissions (2):

Ambry Genetics
Classification: Uncertain significance for Inborn genetic diseases. Last evaluated: 2025-01-20. Review status: criteria provided, single submitter. Criteria: Ambry Variant Classification Scheme 2023. Collection method: clinical testing. Allele origin: germline.
Comment: The p.R66Q variant (also known as c.197G>A), located in coding exon 1 of the FANCM gene, results from a G to A substitution at nucleotide position 197. The arginine at codon 66 is replaced by glutamine, an amino acid with highly similar properties. This amino acid position is conserved. In addition, this alteration is predicted to be tolerated by in silico analysis. Based on the available evidence, the clinical significance of this variant remains unclear.

GeneDx
Classification: Uncertain significance. Last evaluated: 2023-11-13. Review status: criteria provided, single submitter. Criteria: GeneDx Variant Classification Process June 2021. Collection method: clinical testing. Allele origin: germline. Affected: yes.
Comment: Not observed at significant frequency in large population cohorts (gnomAD); In silico analysis supports that this missense variant does not alter protein structure/function; Has not been previously published as pathogenic or benign to our knowledge